The following is an entry in ClinVar:

NM_138694.4(PKHD1):c.3481G>T (p.Glu1161Ter)

Gene: PKHD1 (PKHD1 ciliary IPT domain containing fibrocystin/polyductin; minus strand). Cytogenetic location: 6p12.2.
Variant type: single nucleotide variant.
Coding change: c.3481G>T on transcript NM_138694.4 (MANE Select); coding-DNA position 3481, G replaced by T.
Protein change: p.Glu1161Ter; replaces glutamic acid 1161 with a stop codon.
Molecular consequence: nonsense.
Genome position (GRCh38, 1-based): chr6:52,028,235, C>A on the plus strand (G>T on the coding strand, the complement: PKHD1 is on the minus strand). VCF-style: chr6-52028235-C-A. GRCh37 (hg19) VCF-style: chr6-51893033-C-A.
Other names: c.3481G>T, p.Glu1161Ter (NM_170724.3); short protein forms E1161*.
Identifiers: ClinVar variation 4816635 (VCV004816635.1).

ClinVar aggregate classification (germline): Likely pathogenic (1 of 4 stars; one submission).

Conditions:
Autosomal recessive polycystic kidney disease (ARPKD). Also called: AR polycystic kidney disease. Identifiers: Orphanet 731, Orphanet 8378, MedGen C0085548, MeSH D017044, MONDO:0009889.

Submission:

Natera, Inc.
Classification: Likely pathogenic for Autosomal recessive polycystic kidney disease. Last evaluated: 2025-06-04. Review status: criteria provided, single submitter. Criteria: Natera Variant Classification Schema (03/2026). Collection method: clinical testing. Allele origin: germline.
Comment: The c.3481G>T variant in PKHD1 is a nonsense variant predicted to introduce a stop codon at amino acid 1161. This variant is expected to result in nonsense mediated decay, truncation, or a dysfunctional protein product. This variant is rare in the general population with a frequency below the threshold expected for the associated phenotype(s). Given the available evidence, this variant is classified as Likely Pathogenic.